The following is an entry in ClinVar:

ClinVar aggregate classification (germline): Pathogenic/Likely pathogenic. Review status: criteria provided, multiple submitters, no conflicts (2 of 4 stars). 3 submissions from 3 submitters: Pathogenic (1); Likely pathogenic (2). Last evaluated 2025-08-04.

Conditions:
Anauxetic dysplasia. Identifiers: Orphanet 93347, MedGen C1846796, MONDO:0011773.
RMRP-related disorder. Also called: RMRP-related condition.
Metaphyseal chondrodysplasia, McKusick type (CHH). Also called: Cartilage-hair hypoplasia; Cartilage-Hair Hypoplasia (CHH). Identifiers: Orphanet 175, MedGen C0220748, MONDO:0009595, OMIM 250250.

Submissions (3):

Natera, Inc.
Classification: Likely pathogenic for Cartilage-hair hypoplasia. Last evaluated: 2025-08-04. Review status: criteria provided, single submitter. Criteria: Natera Variant Classification Schema (03/2026). Collection method: clinical testing. Allele origin: germline.
Comment: The n.-25_-13dupTACTACTCTGTGA variant in RMRP is a duplication affecting the RMRP promoter region between the TATA box and the transcription initiation site. Other duplications and insertions just upstream of the transcription initiation site have been reported in individuals affected with cartilage-hair hypoplasia (PMID: 11207361, 17937437). This variant is rare in the general population with a frequency below the threshold expected for the associated phenotype(s). This variant has been observed in one or more individuals affected with the associated recessive disease, as either homozygous or compound heterozygous with a second variant (PMID: 24217815). Given the available evidence, this variant is classified as Likely Pathogenic.

Labcorp Genetics (formerly Invitae), Labcorp
Classification: Pathogenic for Anauxetic dysplasia. Last evaluated: 2024-10-07. Review status: criteria provided, single submitter. Criteria: Invitae Variant Classification Sherloc (09022015). Collection method: clinical testing. Allele origin: germline.
Comment: This variant occurs in the RMRP gene, which encodes an RNA molecule that does not result in a protein product. This variant is not present in population databases (gnomAD no frequency). This variant has been observed in individual(s) with clinical features of cartilage-hair hypoplasia (PMID: 21396580, 24217815; internal data). In at least one individual the data is consistent with being in trans (on the opposite chromosome) from a pathogenic variant. Other insertions and duplications immediately upstream of the coding sequence have been reported in individuals affected with cartilage-hair hypoplasia-anauxetic dysplasia (CHH-AD) spectrum disorders (PMID: 16244706, 11207361, 12107819). This variant is also known as g.-26_-14dup. ClinVar contains an entry for this variant (Variation ID: 465207). While functional studies for this variant have not been reported, experimental analyses using patient derived cells, as well as in vitro transfection studies, have shown that promoter insertions result in silencing of RMRP transcription and reduced expression of the gene product (PMID: 11207361, 16254002). For these reasons, this variant has been classified as Pathogenic.

Blueprint Genetics
Classification: Likely pathogenic for RMRP-related disorders. Last evaluated: 2023-02-07. Review status: criteria provided, single submitter. Criteria: ACMG Guidelines, 2015. Collection method: clinical testing. Allele origin: germline. Affected: yes. Observed: 3 variant alleles.

Literature cited by the submitters: PubMed 11207361 (cited by Natera, Inc. and Labcorp Genetics (formerly Invitae), Labcorp); PubMed 17937437 (cited by Natera, Inc.); PubMed 24217815 (cited by Natera, Inc. and Labcorp Genetics (formerly Invitae), Labcorp); PubMed 21396580 (cited by Labcorp Genetics (formerly Invitae), Labcorp); PubMed 16244706 (cited by Labcorp Genetics (formerly Invitae), Labcorp); PubMed 12107819 (cited by Labcorp Genetics (formerly Invitae), Labcorp); PubMed 16254002 (cited by Labcorp Genetics (formerly Invitae), Labcorp).

NR_003051.3(RMRP):n.-25_-13dupTACTACTCTGTGA

Gene: RMRP (RNA component of mitochondrial RNA processing endoribonuclease; minus strand). Cytogenetic location: 9p13.3.
Variant type: Duplication.
Genome position: GRCh38 VCF-style: chr9-35658030-T-TTCACAGAGTAGTA. GRCh37 (hg19) VCF-style: chr9-35658027-T-TTCACAGAGTAGTA.
Identifiers: ClinVar variation 465207 (VCV000465207.14), dbSNP rs1554651508, ClinGen allele CA658657869.